The following is an entry in ClinVar:

NM_006157.5(NELL1):c.1614A>G (p.Pro538=)

Gene: NELL1 (neural EGFL like 1; plus strand). Cytogenetic location: 11p15.1.
Variant type: single nucleotide variant.
Coding change: c.1614A>G on transcript NM_006157.5 (MANE Select); coding-DNA position 1614, A replaced by G.
Protein change: p.Pro538=; no amino-acid change (proline 538 retained).
Molecular consequence: synonymous variant.
Genome position (GRCh38, 1-based): chr11:21,370,917, A>G. VCF-style: chr11-21370917-A-G. GRCh37 (hg19) VCF-style: chr11-21392463-A-G.
Other names: c.1698A>G, p.Pro566= (NM_001288713.1); c.1443A>G, p.Pro481= (NM_001288714.1); c.1614A>G, p.Pro538= (NM_201551.2).
Identifiers: ClinVar variation 3025460 (VCV003025460.22), dbSNP rs8176792, ClinGen allele CA5922451.

ClinVar aggregate classification (germline): Likely benign (1 of 4 stars; one submission).

Allele frequency attached by ClinVar (database versions not stated): ESP Exome Variant Server 0.00062; TOPMed 0.00071; gnomAD 0.00110; ExAC 0.00151.
gnomAD v4.1: 2,150 of 1,611,502 alleles (0.13%); highest among the groups gnomAD compares: Non-Finnish European, 0.13%; 1 homozygote.

Submission:

CeGaT Center for Human Genetics Tuebingen
Classification: Likely benign. Last evaluated: 2023-12-01. Review status: criteria provided, single submitter. Criteria: CeGaT Center For Human Genetics Tuebingen Variant Classification Criteria Version 2. Collection method: clinical testing. Allele origin: germline. Affected: yes. Observed: 1 variant allele.
Comment: NELL1: BP4, BP7